The following is an entry in ClinVar:

NM_004633.4(IL1R2):c.846G>A (p.Glu282=)

Gene: IL1R2 (interleukin 1 receptor type 2; plus strand). Cytogenetic location: 2q11.2.
Variant type: single nucleotide variant.
Coding change: c.846G>A on transcript NM_004633.4 (MANE Select); coding-DNA position 846, G replaced by A.
Protein change: p.Glu282=; no amino-acid change (glutamic acid 282 retained).
Molecular consequence: synonymous variant. On other transcripts: non-coding transcript variant (1).
Genome position (GRCh38, 1-based): chr2:102,024,627, G>A. VCF-style: chr2-102024627-G-A. GRCh37 (hg19) VCF-style: chr2-102641089-G-A.
Other names: c.846G>A, p.Glu282= (NM_001261419.2).
Identifiers: ClinVar variation 2651212 (VCV002651212.24), dbSNP rs370345051, ClinGen allele CA1807947.

ClinVar aggregate classification (germline): Likely benign (1 of 4 stars; one submission).

Allele frequency attached by ClinVar (database versions not stated): ESP Exome Variant Server 0.00008.
gnomAD v4.1: 7 of 1,614,024 alleles (0.00043%); highest among the groups gnomAD compares: Middle Eastern, 0.016%; no homozygotes.

Submission:

CeGaT Center for Human Genetics Tuebingen
Classification: Likely benign. Last evaluated: 2022-09-01. Review status: criteria provided, single submitter. Criteria: CeGaT Center For Human Genetics Tuebingen Variant Classification Criteria Version 2. Collection method: clinical testing. Allele origin: germline. Affected: yes. Observed: 1 variant allele.
Comment: IL1R2: BP4, BP7